The following is an entry in ClinVar:

NM_006005.3(WFS1):c.122C>T (p.Pro41Leu)

Gene: WFS1 (wolframin ER transmembrane glycoprotein; plus strand). Cytogenetic location: 4p16.1.
Variant type: single nucleotide variant.
Coding change: c.122C>T on transcript NM_006005.3 (MANE Select); coding-DNA position 122, C replaced by T.
Protein change: p.Pro41Leu; replaces proline 41 with leucine.
Molecular consequence: missense variant.
Genome position (GRCh38, 1-based): chr4:6,277,577, C>T. VCF-style: chr4-6277577-C-T. GRCh37 (hg19) VCF-style: chr4-6279304-C-T.
Other names: c.122C>T, p.Pro41Leu (NM_001145853.1); short protein forms P41L.
Identifiers: ClinVar variation 1810050 (VCV001810050.7), dbSNP rs1483562169, ClinGen allele CA356169689.

ClinVar aggregate classification (germline): Uncertain significance. Review status: criteria provided, multiple submitters, no conflicts (2 of 4 stars). 3 submissions from 3 submitters: Uncertain significance (3). Last evaluated 2025-09-20.

Conditions:
WFS1-related disorder. Identifiers: MedGen CN379391, MONDO:0700293.

Allele frequency attached by ClinVar (database versions not stated): gnomAD 0.00001.
gnomAD v4.1: 4 of 1,583,764 alleles (0.00025%); highest among the groups gnomAD compares: Admixed American, 0.0054%; no homozygotes.

Submissions (3):

PreventionGenetics, part of Exact Sciences
Classification: Uncertain significance for WFS1-related condition. Last evaluated: 2025-09-20. Review status: criteria provided, single submitter. Criteria: ACMG Guidelines, 2015. Collection method: clinical testing. Allele origin: germline.
Comment: The WFS1 c.122C>T variant is predicted to result in the amino acid substitution p.Pro41Leu. To our knowledge, this variant has not been reported in the literature. This variant is reported in 0.010% of alleles in individuals of Latino descent in gnomAD. At this time, the clinical significance of this variant is uncertain due to the absence of conclusive functional and genetic evidence.

Labcorp Genetics (formerly Invitae), Labcorp
Classification: Uncertain significance. Last evaluated: 2024-04-02. Review status: criteria provided, single submitter. Criteria: Invitae Variant Classification Sherloc (09022015). Collection method: clinical testing. Allele origin: germline.
Comment: This sequence change replaces proline, which is neutral and non-polar, with leucine, which is neutral and non-polar, at codon 41 of the WFS1 protein (p.Pro41Leu). This variant is present in population databases (no rsID available, gnomAD 0.01%). This variant has not been reported in the literature in individuals affected with WFS1-related conditions. ClinVar contains an entry for this variant (Variation ID: 1810050). Advanced modeling of protein sequence and biophysical properties (such as structural, functional, and spatial information, amino acid conservation, physicochemical variation, residue mobility, and thermodynamic stability) performed at Invitae indicates that this missense variant is not expected to disrupt WFS1 protein function with a negative predictive value of 95%. In summary, the available evidence is currently insufficient to determine the role of this variant in disease. Therefore, it has been classified as a Variant of Uncertain Significance.

GeneDx
Classification: Uncertain significance. Last evaluated: 2022-06-30. Review status: criteria provided, single submitter. Criteria: GeneDx Variant Classification Process June 2021. Collection method: clinical testing. Allele origin: germline. Affected: yes.
Comment: In silico analysis supports that this missense variant does not alter protein structure/function; Has not been previously published as pathogenic or benign to our knowledge